The following is an entry in ClinVar:

ClinVar aggregate classification (germline): Uncertain significance (1 of 4 stars; one submission).

Conditions:
DICER1-related tumor predisposition. Also called: DICER1-related pleuropulmonary blastoma cancer predisposition syndrome; DICER1 syndrome. Identifiers: Orphanet 284343, MedGen C3839822, MONDO:0100216.

Submission:

Labcorp Genetics (formerly Invitae), Labcorp
Classification: Uncertain significance for DICER1-related pleuropulmonary blastoma cancer predisposition syndrome. Last evaluated: 2019-12-13. Review status: criteria provided, single submitter. Criteria: Invitae Variant Classification Sherloc (09022015). Collection method: clinical testing. Allele origin: germline.
Comment: A gross duplication of the genomic region encompassing the full coding sequence of the DICER1 gene has been identified. The boundaries of this event are unknown as the duplication extends beyond the assayed region for this gene and therefore may encompass additional genes. As the precise location of this duplication is unknown, it may be in tandem or it may be located elsewhere in the genome. This variant has not been reported in the literature in individuals with a DICER1-related disease. Experimental studies and prediction algorithms are not available for this variant, and the functional significance of this duplication is currently unknown. In summary, this variant is a novel whole gene duplication. It has been classified as a Variant of Uncertain Significance.

NC_000014.9:g.(?_95090498)_(95133458_?)dup

Gene: DICER1 (dicer 1, ribonuclease III; minus strand). Cytogenetic location: 14q32.13.
Variant type: Duplication.
Identifiers: ClinVar variation 832866 (VCV000832866.3).